The following is an entry in ClinVar:

NM_003468.4(FZD5):c.1500C>G (p.Tyr500Ter)

Gene: FZD5 (frizzled class receptor 5; minus strand). Cytogenetic location: 2q33.3.
Variant type: single nucleotide variant.
Coding change: c.1500C>G on transcript NM_003468.4 (MANE Select); coding-DNA position 1500, C replaced by G.
Protein change: p.Tyr500Ter; replaces tyrosine 500 with a stop codon.
Molecular consequence: nonsense.
Genome position (GRCh38, 1-based): chr2:207,767,240, G>C on the plus strand (C>G on the coding strand, the complement: FZD5 is on the minus strand). VCF-style: chr2-207767240-G-C. GRCh37 (hg19) VCF-style: chr2-208631964-G-C.
Other names: short protein forms Y500*.
Identifiers: ClinVar variation 4814130 (VCV004814130.1).

ClinVar aggregate classification (germline): Uncertain significance (1 of 4 stars; one submission).

Conditions:
Microphthalmia/coloboma 11 (MCOPCB11). Identifiers: MedGen C5935584, MONDO:0958239, OMIM 620731.

Submission:

OLLIN Analises Genomicas, OLLIN
Classification: Uncertain significance for Microphthalmia/coloboma 11. Last evaluated: 2025-12-03. Review status: criteria provided, single submitter. Criteria: ACMG Guidelines 2015 PMID 25741868. Collection method: clinical testing. Allele origin: germline. Affected: yes. Observed: 1 variant allele.
Comment: The nonsense variant (chr2:207767240G>C), located in exon 2 (of 2), is not reported in the gnomAD v4.1 non-UKB or ClinVar databases, nor has it been found in the scientific literature. This variant introduces an early stop codon, resulting in a truncated protein or mRNA degradation via nonsense-mediated decay (NMD). Based on currently available evidence, this variant has been classified as of uncertain significance (VUS) (PVS1_S, PM2_P).